The following is an entry in ClinVar:

ClinVar aggregate classification (germline): Benign/Likely benign. Review status: criteria provided, multiple submitters, no conflicts (2 of 4 stars). 4 submissions from 4 submitters: Benign (3); Likely benign (1). Last evaluated 2026-01-28.

Conditions:
Fraser syndrome 1 (FRASRS1). Also called: CRYPTOPHTHALMOS WITH OTHER MALFORMATIONS. Identifiers: Orphanet 2052, MedGen C4551480, MONDO:0054737, OMIM 219000.

Allele frequency attached by ClinVar (database versions not stated): gnomAD exomes 0.00112 and 0.00274; ExAC 0.00340; gnomAD 0.01047 and 0.01114; TOPMed 0.01208; ESP Exome Variant Server 0.01240; 1000 Genomes Project 0.01298; 1000 Genomes Project 30x 0.01421.
gnomAD v4.1: 3,322 of 1,613,614 alleles (0.21%); highest among the groups gnomAD compares: African/African-American, 3.7%; 59 homozygotes.

Submissions (4):

Labcorp Genetics (formerly Invitae), Labcorp
Classification: Benign. Last evaluated: 2026-01-28. Review status: criteria provided, single submitter. Criteria: Invitae Variant Classification Sherloc (09022015). Collection method: clinical testing. Allele origin: germline.

Fulgent Genetics
Classification: Likely benign for Fraser syndrome 1. Last evaluated: 2021-07-20. Review status: criteria provided, single submitter. Criteria: ACMG Guidelines, 2015. Collection method: clinical testing. Allele origin: unknown.

Illumina Laboratory Services, Illumina
Classification: Benign for Fraser syndrome 1. Last evaluated: 2018-01-12. Review status: criteria provided, single submitter. Criteria: ICSL Variant Classification Criteria 13 December 2019. Collection method: clinical testing. Allele origin: germline.
Comment: This variant was observed in the ICSL laboratory as part of a predisposition screen in an ostensibly healthy population. It had not been previously curated by ICSL or reported in the Human Gene Mutation Database (HGMD: prior to June 1st, 2018), and was therefore a candidate for classification through an automated scoring system. Utilizing variant allele frequency, disease prevalence and penetrance estimates, and inheritance mode, an automated score was calculated to assess if this variant is too frequent to cause the disease. Based on the score and internal cut-off values, a variant classified as benign is not then subjected to further curation. The score for this variant resulted in a classification of benign for this disease.

Breakthrough Genomics
Classification: Benign. Review status: criteria provided, single submitter. Criteria: ACMG Guidelines, 2015. Collection method: not provided. Allele origin: germline. Inheritance: Autosomal recessive inheritance. Affected: yes.

NM_025074.7(FRAS1):c.1416C>T (p.Cys472=)

Gene: FRAS1 (Fraser extracellular matrix complex subunit 1; plus strand). Cytogenetic location: 4q21.21.
Variant type: single nucleotide variant.
Coding change: c.1416C>T on transcript NM_025074.7 (MANE Select); coding-DNA position 1416, C replaced by T.
Protein change: p.Cys472=; no amino-acid change (cysteine 472 retained).
Molecular consequence: synonymous variant.
Genome position (GRCh38, 1-based): chr4:78,286,421, C>T. VCF-style: chr4-78286421-C-T. GRCh37 (hg19) VCF-style: chr4-79207575-C-T.
Other names: c.1416C>T, p.Cys472= (NM_001166133.2).
Identifiers: ClinVar variation 349677 (VCV000349677.16), dbSNP rs35690113, ClinGen allele CA2976303.
Genomic context (GRCh38, chr4:78,286,421, plus strand): 5'-ATCAAATGGTTCCTTTCTCTTTCTTCAACATTATCTGGAGTCAGCCTGCCAGCCCCAGTG[C>T]TCCACGTGTACCAGTGGGCTGGAGTGCTCATCCTGCCAGCCTCCCCTGCTGATGCGGCAC-3'
Protein context (NP_079350.5, residues 462-482): GSLCLACQPQ[Cys472=]STCTSGLECS